The following is an entry in ClinVar:

ClinVar aggregate classification (germline): Uncertain significance (1 of 4 stars; one submission).

Submission:

CeGaT Center for Human Genetics Tuebingen
Classification: Uncertain significance. Last evaluated: 2026-02-01. Review status: criteria provided, single submitter. Criteria: CeGaT Center For Human Genetics Tuebingen Variant Classification Criteria Version 2. Collection method: clinical testing. Allele origin: germline. Affected: yes. Observed: 1 variant allele.
Comment: FOXP1: PM2

NM_001349338.3(FOXP1):c.518A>C (p.Gln173Pro)

Gene: FOXP1 (forkhead box P1; minus strand). Cytogenetic location: 3p13.
Variant type: single nucleotide variant.
Coding change: c.518A>C on transcript NM_001349338.3 (MANE Select); coding-DNA position 518, A replaced by C.
Protein change: p.Gln173Pro; replaces glutamine 173 with proline.
Molecular consequence: missense variant. On other transcripts: non-coding transcript variant (2).
Genome position (GRCh38, 1-based): chr3:71,047,088, T>G on the plus strand (A>C on the coding strand, the complement: FOXP1 is on the minus strand). VCF-style: chr3-71047088-T-G. GRCh37 (hg19) VCF-style: chr3-71096239-T-G.
Other names: c.518A>C, p.Gln173Pro (NM_001244808.3, NM_001244810.2, NM_001244814.3 and 3 more transcripts); c.290A>C, p.Gln97Pro (NM_001244812.3); c.218A>C, p.Gln73Pro (NM_001244813.3, NM_001244815.2, NM_001349342.3 and 1 more transcripts); c.215A>C, p.Gln72Pro (NM_001349337.2, NM_001349343.3, NM_001349344.3); c.515A>C, p.Gln172Pro (NM_001349341.3); short protein forms Q172P, Q173P, Q72P, Q73P, Q97P.
Identifiers: ClinVar variation 4823369 (VCV004823369.4).
Genomic context (GRCh38, chr3:71,047,088, plus strand): 5'-TGCTGTAACTGCTGCATCTGTAAAAGCTGCTGCTGAAAAGCCAACTGCTGGGTAGCCACC[T>G]GCTGTTGCTGTAAGAAATCAGGAAGAAAAAATGAGATGGCCACTTCCCAAGGAAGGTTAA-3'
Protein context (NP_001336267.1, residues 163-183): HAGKQPKEQQ[Gln173Pro]VATQQLAFQQ